The following is an entry in ClinVar:

ClinVar aggregate classification (germline): Uncertain significance. Review status: criteria provided, multiple submitters, no conflicts (2 of 4 stars). 3 submissions from 3 submitters: Uncertain significance (3). Last evaluated 2025-08-01.

Allele frequency attached by ClinVar (database versions not stated): ExAC 0.00002; ESP Exome Variant Server 0.00015.
gnomAD v4.1: 47 of 1,614,014 alleles (0.0029%); highest among the groups gnomAD compares: Non-Finnish European, 0.004%; no homozygotes.

Submissions (3):

CeGaT Center for Human Genetics Tuebingen
Classification: Uncertain significance. Last evaluated: 2025-08-01. Review status: criteria provided, single submitter. Criteria: CeGaT Center For Human Genetics Tuebingen Variant Classification Criteria Version 2. Collection method: clinical testing. Allele origin: germline. Affected: yes. Observed: 1 variant allele.
Comment: FAT2: PP2, BP4

Labcorp Genetics (formerly Invitae), Labcorp
Classification: Uncertain significance. Last evaluated: 2024-04-18. Review status: criteria provided, single submitter. Criteria: Invitae Variant Classification Sherloc (09022015). Collection method: clinical testing. Allele origin: germline.
Comment: This sequence change replaces aspartic acid, which is acidic and polar, with glycine, which is neutral and non-polar, at codon 2010 of the FAT2 protein (p.Asp2010Gly). This variant is present in population databases (rs371908076, gnomAD 0.004%). This variant has not been reported in the literature in individuals affected with FAT2-related conditions. ClinVar contains an entry for this variant (Variation ID: 2192089). An algorithm developed to predict the effect of missense changes on protein structure and function (PolyPhen-2) suggests that this variant is likely to be tolerated. In summary, the available evidence is currently insufficient to determine the role of this variant in disease. Therefore, it has been classified as a Variant of Uncertain Significance.

Ambry Genetics
Classification: Uncertain significance. Last evaluated: 2023-07-12. Review status: criteria provided, single submitter. Criteria: Ambry Variant Classification Scheme 2023. Collection method: clinical testing. Allele origin: germline.

NM_001447.3(FAT2):c.6029A>G (p.Asp2010Gly)

Genes: FAT2 (FAT atypical cadherin 2; minus strand), SLC36A1 (solute carrier family 36 member 1; plus strand). Cytogenetic location: 5q33.1.
Variant type: single nucleotide variant.
Coding change: c.6029A>G on transcript NM_001447.3 (MANE Select); coding-DNA position 6029, A replaced by G.
Protein change: p.Asp2010Gly; replaces aspartic acid 2010 with glycine.
Molecular consequence: missense variant.
Genome position (GRCh38, 1-based): chr5:151,545,098, T>C on the plus strand (A>G on the coding strand, the complement: FAT2 is on the minus strand). VCF-style: chr5-151545098-T-C. GRCh37 (hg19) VCF-style: chr5-150924659-T-C.
Other names: c.6029A>G (NM_001447.2); short protein forms D2010G.
Identifiers: ClinVar variation 2192089 (VCV002192089.14), dbSNP rs371908076, ClinGen allele CA3521187.